The following is an entry in ClinVar:

NM_000051.4(ATM):c.7240C>T (p.Gln2414Ter)

Genes: ATM (ATM serine/threonine kinase; plus strand), C11orf65 (chromosome 11 open reading frame 65; minus strand). Cytogenetic location: 11q22.3.
Variant type: single nucleotide variant.
Coding change: c.7240C>T on transcript NM_000051.4 (MANE Select); coding-DNA position 7240, C replaced by T.
Protein change: p.Gln2414Ter; replaces glutamine 2414 with a stop codon.
Molecular consequence: nonsense. On other transcripts: intron variant (2).
Genome position (GRCh38, 1-based): chr11:108,329,171, C>T. VCF-style: chr11-108329171-C-T. GRCh37 (hg19) VCF-style: chr11-108199898-C-T.
Other names: c.7240C>T, p.Gln2414Ter (NM_001351834.2); c.641-20100G>A (NM_001330368.2); c.*38+6049G>A (NM_001351110.2); short protein forms Q2414*.
Identifiers: ClinVar variation 216023 (VCV000216023.16), dbSNP rs863224462, ClinGen allele CA339145.
Genomic context (GRCh38, chr11:108,329,171, plus strand): 5'-TCAGATACTCAATACCAAAGAATTGAAAACTACATGAAATCATCGGAATTTGAAAACAAG[C>T]AAGCTCTCCTGAAAAGAGCCAAAGAGGAAGTAGGTCTCCTTAGGGAACATAAAATTCAGA-3'

ClinVar aggregate classification (germline): Pathogenic. Review status: criteria provided, multiple submitters, no conflicts (2 of 4 stars). 4 submissions from 4 submitters: Pathogenic (4). Last evaluated 2026-03-16.
ClinVar aggregate classification (oncogenicity): Likely oncogenic (1 of 4 stars; one submission).

Conditions:
Hereditary cancer-predisposing syndrome. Also called: Neoplastic Syndromes, Hereditary; Hereditary neoplastic syndrome; Tumor predisposition; Hereditary Cancer Syndrome. Identifiers: Orphanet 140162, MedGen C0027672, MeSH D009386, MONDO:0015356.
Familial cancer of breast. Also called: hereditary breast carcinoma; Hereditary breast cancer; BREAST CANCER, FAMILIAL. Identifiers: Orphanet 227535, MedGen C0346153, MONDO:0016419, OMIM 114480. Disease mechanism: loss of function.
Ataxia-telangiectasia syndrome (AT). Also called: Ataxia telangiectasia (A-T); Cerebello-oculocutaneous telangiectasia; Immunodeficiency with ataxia telangiectasia; LOUIS-BAR SYNDROME; AT, COMPLEMENTATION GROUP C; ATAXIA-TELANGIECTASIA, FRESNO VARIANT. Identifiers: Orphanet 100, MedGen C0004135, MONDO:0008840, OMIM 208900.
Neoplasm. Also called: Neoplasms; Neoplasm (disease); tumor. Identifiers: MedGen C0027651, MeSH D009369, MONDO:0005070, HP:0002664.

Submissions (6):

GeneDx
Classification: Pathogenic. Last evaluated: 2026-03-16. Review status: criteria provided, single submitter. Criteria: GeneDx Variant Classification Process June 2021. Collection method: clinical testing. Allele origin: germline.
Comment: Reported in a patient with pancreatic ductal adenocarcinoma (PMID: 30067863); Nonsense variant predicted to result in protein truncation or nonsense mediated decay in a gene for which loss of function is a known mechanism of disease; Not observed at significant frequency in large population cohorts (gnomAD); Truncating variants in this gene are considered pathogenic by a well-established clinical consortium and/or database; This variant is associated with the following publications: (PMID: 30067863, 30772474)

Center for Genomic Medicine, Rigshospitalet, Copenhagen University Hospital
Classification: Likely oncogenic for Neoplasm. Last evaluated: 2025-12-29. Review status: criteria provided, single submitter. Criteria: ClinGen/CGC/VICC Guidelines for Oncogenicity, 2022. Collection method: clinical testing. Allele origin: somatic. Affected: yes.

Labcorp Genetics (formerly Invitae), Labcorp
Classification: Pathogenic for Ataxia-telangiectasia syndrome. Last evaluated: 2024-07-29. Review status: criteria provided, single submitter. Criteria: Invitae Variant Classification Sherloc (09022015). Collection method: clinical testing. Allele origin: germline.
Comment: This sequence change creates a premature translational stop signal (p.Gln2414*) in the ATM gene. It is expected to result in an absent or disrupted protein product. Loss-of-function variants in ATM are known to be pathogenic (PMID: 23807571, 25614872). This variant is not present in population databases (gnomAD no frequency). This variant has not been reported in the literature in individuals affected with ATM-related conditions. ClinVar contains an entry for this variant (Variation ID: 216023). Algorithms developed to predict the effect of sequence changes on RNA splicing suggest that this variant may disrupt the consensus splice site. For these reasons, this variant has been classified as Pathogenic.

Myriad Genetics, Inc.
Classification: Pathogenic for Familial cancer of breast. Last evaluated: 2024-01-31. Review status: criteria provided, single submitter. Criteria: Myriad Autosomal Dominant, Autosomal Recessive and X-Linked Classification Criteria (2023). Collection method: clinical testing. Allele origin: unknown.
Comment: This variant is considered pathogenic. This variant creates a termination codon and is predicted to result in premature protein truncation.

Ambry Genetics
Classification: Pathogenic for Hereditary cancer-predisposing syndrome. Last evaluated: 2023-07-11. Review status: criteria provided, single submitter. Criteria: Ambry Variant Classification Scheme 2023. Collection method: clinical testing. Allele origin: germline.
Comment: The p.Q2414* pathogenic mutation (also known as c.7240C>T), located in coding exon 48 of the ATM gene, results from a C to T substitution at nucleotide position 7240. This changes the amino acid from a glutamine to a stop codon within coding exon 48. This alteration has been detected in conjunction with a ATM pathogenic variant in an individual diagnosed with ataxia-telangiectasia (A-T) (Suspitsin E et al. Eur J Med Genet, 2020 Jan;63:103630). This alteration has also been reported in individuals diagnosed with pancreatic ductal adenocarcinomas (Brand R et al. Cancer, 2018 Sep;124:3520-3527). This alteration is expected to result in loss of function by premature protein truncation or nonsense-mediated mRNA decay. As such, this alteration is interpreted as a disease-causing mutation.

Dr. Peter K. Rogan Lab, Western University
No classification provided (evidence only). Condition: Ovarian serous cystadenocarcinoma. Review status: no classification provided. Collection method: in vitro. Allele origin: not applicable. Functional consequence: retained intron. Not counted in ClinVar's aggregate classification.

Literature cited by the submitters: PubMed 16603769 (cited by Center for Genomic Medicine, Rigshospitalet, Copenhagen University Hospital); PubMed 23807571 (cited by Labcorp Genetics (formerly Invitae), Labcorp); PubMed 25614872 (cited by Labcorp Genetics (formerly Invitae), Labcorp); PubMed 30067863 (cited by Ambry Genetics); PubMed 30772474 (cited by Ambry Genetics).